The following is an entry in ClinVar:

ClinVar aggregate classification (germline): Uncertain significance (1 of 4 stars; one submission).

Conditions:
PCNT-related disorder. Also called: PCNT-related condition.

gnomAD v4.1: 1 of 1,614,094 alleles (0.000062%); highest among the groups gnomAD compares: Admixed American, 0.0017%; no homozygotes.

Submission:

PreventionGenetics, part of Exact Sciences
Classification: Uncertain significance for PCNT-related condition. Last evaluated: 2023-06-16. Review status: criteria provided, single submitter. Criteria: ACMG Guidelines, 2015. Collection method: clinical testing. Allele origin: germline.
Comment: The PCNT c.1278G>T variant is predicted to result in the amino acid substitution p.Glu426Asp. To our knowledge, this variant has not been reported in the literature. This variant is reported in 0.0029% of alleles in individuals of Latino descent in gnomAD. At this time, the clinical significance of this variant is uncertain due to the absence of conclusive functional and genetic evidence.

NM_006031.6(PCNT):c.1278G>T (p.Glu426Asp)

Gene: PCNT (pericentrin; plus strand). Cytogenetic location: 21q22.3.
Variant type: single nucleotide variant.
Coding change: c.1278G>T on transcript NM_006031.6 (MANE Select); coding-DNA position 1278, G replaced by T.
Protein change: p.Glu426Asp; replaces glutamic acid 426 with aspartic acid.
Molecular consequence: missense variant.
Genome position (GRCh38, 1-based): chr21:46,349,754, G>T. VCF-style: chr21-46349754-G-T. GRCh37 (hg19) VCF-style: chr21-47769668-G-T.
Other names: c.924G>T, p.Glu308Asp (NM_001315529.2); short protein forms E308D, E426D.
Identifiers: ClinVar variation 2629174 (VCV002629174.1), dbSNP rs773448951, ClinGen allele CA410556982.